The following is an entry in ClinVar:

NM_004168.4(SDHA):c.151-2A>G

Gene: SDHA (succinate dehydrogenase complex flavoprotein subunit A; plus strand). Cytogenetic location: 5p15.33.
Variant type: single nucleotide variant.
Coding change: c.151-2A>G on transcript NM_004168.4 (MANE Select); the canonical splice acceptor site of the intron before coding-DNA position 151, A replaced by G.
Molecular consequence: splice acceptor variant.
Genome position (GRCh38, 1-based): chr5:224,358, A>G. VCF-style: chr5-224358-A-G. GRCh37 (hg19) VCF-style: chr5-224473-A-G.
Other names: c.151-2A>G (NM_001330758.2, NM_001294332.2, NM_004168.2).
Identifiers: ClinVar variation 2168252 (VCV002168252.8), dbSNP rs1579381374, ClinGen allele CA359008362.

ClinVar aggregate classification (germline): Likely pathogenic. Review status: criteria provided, multiple submitters, no conflicts (2 of 4 stars). 4 submissions from 4 submitters: Likely pathogenic (4). Last evaluated 2025-03-24.

Conditions:
Hereditary cancer-predisposing syndrome. Also called: Hereditary Cancer Syndrome; Neoplastic Syndromes, Hereditary; Tumor predisposition; Hereditary neoplastic syndrome. Identifiers: Orphanet 140162, MedGen C0027672, MeSH D009386, MONDO:0015356.
Mitochondrial complex II deficiency, nuclear type 1. Also called: SUCCINATE CoQ REDUCTASE DEFICIENCY. Identifiers: Orphanet 3208, MedGen C5700310, MONDO:0100294, OMIM 252011.
Pheochromocytoma/paraganglioma syndrome 5. Also called: Paragangliomas 5; SDHA-Related Hereditary Paraganglioma-Pheochromocytoma Syndrome. Identifiers: Orphanet 29072, MedGen C3279992, MONDO:0013602, OMIM 614165.

Submissions (4):

Ambry Genetics
Classification: Likely pathogenic for Hereditary cancer-predisposing syndrome. Last evaluated: 2025-03-24. Review status: criteria provided, single submitter. Criteria: Ambry Variant Classification Scheme 2023. Collection method: clinical testing. Allele origin: germline.
Comment: The c.151-2A>G intronic variant results from an A to G substitution two nucleotides upstream from coding exon 3 in the SDHA gene. This nucleotide position is highly conserved in available vertebrate species. In silico splice site analysis predicts that this alteration will weaken the native splice acceptor site and may result in the creation or strengthening of a novel splice acceptor site. RNA studies have demonstrated that this alteration results in abnormal splicing in the set of samples tested (Ambry internal data). Another alteration impacting the same acceptor site (c.151-1G>C) has been shown to have a similar impact on splicing and observed in at least one individual with a personal and/or family history that is consistent with SDHA-related disease (Ambry internal data). This variant is considered to be rare based on population cohorts in the Genome Aggregation Database (gnomAD). Based on the majority of available evidence to date, this variant is likely to be pathogenic.

Labcorp Genetics (formerly Invitae), Labcorp
Classification: Likely pathogenic for Pheochromocytoma/paraganglioma syndrome 5; Mitochondrial complex II deficiency, nuclear type 1. Last evaluated: 2024-06-19. Review status: criteria provided, single submitter. Criteria: Invitae Variant Classification Sherloc (09022015). Collection method: clinical testing. Allele origin: germline.
Comment: This sequence change affects an acceptor splice site in intron 2 of the SDHA gene. It is expected to disrupt RNA splicing. Variants that disrupt the donor or acceptor splice site typically lead to a loss of protein function (PMID: 16199547), and loss-of-function variants in SDHA are known to be pathogenic (PMID: 22974104, 24781757). This variant is not present in population databases (gnomAD no frequency). Disruption of this splice site has been observed in individual(s) with benign sporadic primary hyperparathyroidism (PMID: 35586626). ClinVar contains an entry for this variant (Variation ID: 2168252). Algorithms developed to predict the effect of sequence changes on RNA splicing suggest that this variant may disrupt the consensus splice site. In summary, the currently available evidence indicates that the variant is pathogenic, but additional data are needed to prove that conclusively. Therefore, this variant has been classified as Likely Pathogenic.

GeneDx
Classification: Likely pathogenic. Last evaluated: 2024-03-13. Review status: criteria provided, single submitter. Criteria: GeneDx Variant Classification Process June 2021. Collection method: clinical testing. Allele origin: germline. Affected: yes.
Comment: Observed in an individual with hyperparathyroidism (PMID: 35586626); Canonical splice site variant predicted to result in an in-frame loss of the adjacent exon in a gene for which loss of function is a known mechanism of disease; Not observed at significant frequency in large population cohorts (gnomAD); This variant is associated with the following publications: (PMID: 35586626)

Myriad Genetics, Inc.
Classification: Likely pathogenic for Pheochromocytoma/paraganglioma syndrome 5. Last evaluated: 2023-11-06. Review status: criteria provided, single submitter. Criteria: Myriad Autosomal Dominant, Autosomal Recessive and X-Linked Classification Criteria (2023). Collection method: clinical testing. Allele origin: unknown.
Comment: This variant is considered likely pathogenic. This variant occurs within a consensus splice junction and is predicted to result in abnormal mRNA splicing of either an out-of-frame exon or an in-frame exon necessary for protein stability and/or normal function.

Literature cited by the submitters: PubMed 16199547 (cited by Labcorp Genetics (formerly Invitae), Labcorp); PubMed 22974104 (cited by Labcorp Genetics (formerly Invitae), Labcorp); PubMed 24781757 (cited by Labcorp Genetics (formerly Invitae), Labcorp); PubMed 35586626 (cited by Labcorp Genetics (formerly Invitae), Labcorp).